The following is an entry in ClinVar:

ClinVar aggregate classification (germline): Uncertain significance (1 of 4 stars; one submission).

Conditions:
Familial intrahepatic cholestasis. Identifiers: Orphanet 284385, MedGen CN296401, MONDO:0017290.

Submission:

Genomenon, Inc
Classification: Uncertain significance for Familial intrahepatic cholestasis. Last evaluated: 2026-04-14. Review status: criteria provided, single submitter. Criteria: Genomenon Sequence Variant Interpretation Standards - Updated. Collection method: curation. Allele origin: germline. Affected: yes.
Comment: ABCB11 p.Asp205Asn (c.613G>A) is a missense variant that changes the amino acid at residue 205 from Aspartic acid to Asparagine. This variant has been observed in at least one individual with transient neonatal cholestasis (PMID:32808743). It is absent or not present at a significant frequency in gnomAD. In silico models predict that this variant is possibly or probably damaging. In conclusion, we classify ABCB11 p.Asp205Asn (c.613G>A) as a variant of uncertain significance.

Literature cited by the submitters: PubMed 32808743.

NM_003742.4(ABCB11):c.613G>A (p.Asp205Asn)

Gene: ABCB11 (ATP binding cassette subfamily B member 11; minus strand). Cytogenetic location: 2q31.1.
Variant type: single nucleotide variant.
Coding change: c.613G>A on transcript NM_003742.4 (MANE Select); coding-DNA position 613, G replaced by A.
Protein change: p.Asp205Asn; replaces aspartic acid 205 with asparagine.
Molecular consequence: missense variant.
Genome position (GRCh38, 1-based): chr2:168,993,881, C>T on the plus strand (G>A on the coding strand, the complement: ABCB11 is on the minus strand). VCF-style: chr2-168993881-C-T. GRCh37 (hg19) VCF-style: chr2-169850391-C-T.
Other names: short protein forms D205N.
Identifiers: ClinVar variation 4845967 (VCV004845967.1).